The following is an entry in ClinVar:

ClinVar aggregate classification (germline): Pathogenic (1 of 4 stars; one submission).

Conditions:
Hereditary cancer-predisposing syndrome. Also called: Tumor predisposition; Neoplastic Syndromes, Hereditary; Hereditary Cancer Syndrome; Hereditary neoplastic syndrome. Identifiers: Orphanet 140162, MedGen C0027672, MeSH D009386, MONDO:0015356.

Submission:

Ambry Genetics
Classification: Pathogenic for Hereditary cancer-predisposing syndrome. Last evaluated: 2024-07-16. Review status: criteria provided, single submitter. Criteria: Ambry Variant Classification Scheme 2023. Collection method: clinical testing. Allele origin: germline.
Comment: The c.247_280del34 pathogenic mutation, located in coding exon 1 of the CDKN1B gene, results from a deletion of 34 nucleotides at nucleotide positions 247 to 280, causing a translational frameshift with a predicted alternate stop codon (p.S83Pfs*25). This variant has been observed in at least one individual with a personal and/or family history that is consistent with CDKN1B-associated disease (Ambry internal data). This variant is considered to be rare based on population cohorts in the Genome Aggregation Database (gnomAD). This alteration is expected to result in loss of function by premature protein truncation or nonsense-mediated mRNA decay. As such, this alteration is interpreted as a disease-causing mutation.

NM_004064.5(CDKN1B):c.247_280del (p.Ser83fs)

Gene: CDKN1B (cyclin dependent kinase inhibitor 1B; plus strand). Cytogenetic location: 12p13.1.
Variant type: Deletion.
Coding change: c.247_280del on transcript NM_004064.5 (MANE Select); coding-DNA positions 247 to 280, 34 bases deleted.
Protein change: p.Ser83fs; shifts the reading frame from serine 83.
Molecular consequence: frameshift variant.
Genome position (GRCh38, 1-based): chr12:12,718,086-12,718,119, 34 bases deleted; deleting any 34 consecutive bases within chr12:12,718,083-12,718,119 gives the same sequence; the c. name uses the placement nearest the transcript's 3' end. GRCh37 (hg19): chr12:12,871,020-12,871,053.
Other names: short protein forms S83fs.
Identifiers: ClinVar variation 3489619 (VCV003489619.1).